The following is an entry in ClinVar:

NM_001134665.3(TRMT10A):c.172C>A (p.Arg58=)

Gene: TRMT10A (tRNA methyltransferase 10A; minus strand). Cytogenetic location: 4q23.
Variant type: single nucleotide variant.
Coding change: c.172C>A on transcript NM_001134665.3 (MANE Select); coding-DNA position 172, C replaced by A.
Protein change: p.Arg58=; no amino-acid change (arginine 58 retained).
Molecular consequence: synonymous variant.
Genome position (GRCh38, 1-based): chr4:99,559,167, G>T on the plus strand (C>A on the coding strand, the complement: TRMT10A is on the minus strand). VCF-style: chr4-99559167-G-T. GRCh37 (hg19) VCF-style: chr4-100480324-G-T.
Other names: c.172C>A, p.Arg58= (NM_001134666.3, NM_001375880.1, NM_001375881.1 and 2 more transcripts).
Identifiers: ClinVar variation 709080 (VCV000709080.9), dbSNP rs767807581, ClinGen allele CA3021629.
Genomic context (GRCh38, chr4:99,559,167, plus strand): 5'-GCATATCTCTAAATAGGAAGAGAGCATATACATTTTGAAACACATACTTGCGGAGTTCCC[G>T]TTGCTCTTCCCATTGTTTCTGTTTTATTAGTTTTTTCATTTGTCGTTTAGATATTGGTTC-3'
Protein context (NP_001128137.1, residues 48-68): LIKQKQWEEQ[Arg58=]ELRKQKRKEK

ClinVar aggregate classification (germline): Likely benign. Review status: criteria provided, single submitter (1 of 4 stars). 2 submissions from 2 submitters: Likely benign (1). 1 of the submissions does not count toward it. Last evaluated 2025-12-02.

Conditions:
TRMT10A-related disorder. Also called: TRMT10A-related condition.

Allele frequency attached by ClinVar (database versions not stated): ExAC 0.00002; TOPMed 0.00002.
gnomAD v4.1: 28 of 1,611,844 alleles (0.0017%); highest among the groups gnomAD compares: Admixed American, 0.047%; no homozygotes.

Submissions (2):

Labcorp Genetics (formerly Invitae), Labcorp
Classification: Likely benign. Last evaluated: 2025-12-02. Review status: criteria provided, single submitter. Criteria: Invitae Variant Classification Sherloc (09022015). Collection method: clinical testing. Allele origin: germline.

PreventionGenetics, part of Exact Sciences
Classification: Likely benign for TRMT10A-related condition. Last evaluated: 2019-07-02. Review status: no assertion criteria provided. Collection method: clinical testing. Allele origin: germline. Not counted in ClinVar's aggregate classification.
Comment: This variant is classified as likely benign based on ACMG/AMP sequence variant interpretation guidelines (Richards et al. 2015 PMID: 25741868, with internal and published modifications).